The following is an entry in ClinVar:

ClinVar aggregate classification (germline): Uncertain significance (1 of 4 stars; one submission).

Conditions:
MHC class II deficiency. Also called: Bare lymphocyte syndrome 2; BLS, TYPE II. Identifiers: Orphanet 572, MedGen C5447452, MONDO:0008855.

Submission:

Labcorp Genetics (formerly Invitae), Labcorp
Classification: Uncertain significance for MHC class II deficiency. Last evaluated: 2022-04-15. Review status: criteria provided, single submitter. Criteria: Invitae Variant Classification Sherloc (09022015). Collection method: clinical testing. Allele origin: germline.
Comment: In summary, the available evidence is currently insufficient to determine the role of this variant in disease. Therefore, it has been classified as a Variant of Uncertain Significance. Algorithms developed to predict the effect of missense changes on protein structure and function are either unavailable or do not agree on the potential impact of this missense change (SIFT: "Tolerated"; PolyPhen-2: "Probably Damaging"; Align-GVGD: "Class C0"). This variant has not been reported in the literature in individuals affected with RFX5-related conditions. This variant is not present in population databases (gnomAD no frequency). This sequence change replaces arginine, which is basic and polar, with proline, which is neutral and non-polar, at codon 228 of the RFX5 protein (p.Arg228Pro).

NM_001025603.2(RFX5):c.683G>C (p.Arg228Pro)

Gene: RFX5 (regulatory factor X5; minus strand). Cytogenetic location: 1q21.3.
Variant type: single nucleotide variant.
Coding change: c.683G>C on transcript NM_001025603.2 (MANE Select); coding-DNA position 683, G replaced by C.
Protein change: p.Arg228Pro; replaces arginine 228 with proline.
Molecular consequence: missense variant.
Genome position (GRCh38, 1-based): chr1:151,343,755, C>G on the plus strand (G>C on the coding strand, the complement: RFX5 is on the minus strand). VCF-style: chr1-151343755-C-G. GRCh37 (hg19) VCF-style: chr1-151316231-C-G.
Other names: c.683G>C, p.Arg228Pro (NM_000449.4, NM_001379412.1, NM_001379413.1 and 5 more transcripts); c.563G>C, p.Arg188Pro (NM_001379419.1, NM_001379420.1); short protein forms R228P, R188P.
Identifiers: ClinVar variation 2126438 (VCV002126438.4), dbSNP rs755224518, ClinGen allele CA341937475.
Genomic context (GRCh38, chr1:151,343,755, plus strand): 5'-GCCTTAAGCACATGGGCATGTGCAGATCGGGCAGAGATGAGATGCTGCTGTAGCAGGAAG[C>G]GGGCGACCTCAACGATGGAACTGAAGGACCGTTTCAGGATCCGCTCTGCCCAGTCACAGG-3'
Protein context (NP_001020774.1, residues 218-238): RSFSSIVEVA[Arg228Pro]FLLQQHLISA